The following is an entry in ClinVar:

ClinVar aggregate classification (germline): Uncertain significance (1 of 4 stars; one submission).

Conditions:
Hereditary pancreatitis (PCTT). Also called: Hereditary chronic pancreatitis; PRSS1-Related Hereditary Pancreatitis. Identifiers: Orphanet 676, MedGen C0238339, MONDO:0008185, OMIM 167800.

Allele frequency attached by ClinVar (database versions not stated): gnomAD exomes below 0.00001; TOPMed below 0.00001.

Submission:

Ambry Genetics
Classification: Uncertain significance for Hereditary pancreatitis. Last evaluated: 2024-02-22. Review status: criteria provided, single submitter. Criteria: Ambry Variant Classification Scheme 2023. Collection method: clinical testing. Allele origin: germline.
Comment: The p.E41K variant (also known as c.121G>A), located in coding exon 2 of the CPA1 gene, results from a G to A substitution at nucleotide position 121. The glutamic acid at codon 41 is replaced by lysine, an amino acid with similar properties. This amino acid position is conserved. In addition, this alteration is predicted to be tolerated by in silico analysis. Since supporting evidence is limited at this time, the clinical significance of this alteration remains unclear.

NM_001868.4(CPA1):c.121G>A (p.Glu41Lys)

Gene: CPA1 (carboxypeptidase A1; plus strand). Cytogenetic location: 7q32.2.
Variant type: single nucleotide variant.
Coding change: c.121G>A on transcript NM_001868.4 (MANE Select); coding-DNA position 121, G replaced by A.
Protein change: p.Glu41Lys; replaces glutamic acid 41 with lysine.
Molecular consequence: missense variant.
Genome position (GRCh38, 1-based): chr7:130,381,153, G>A. VCF-style: chr7-130381153-G-A. GRCh37 (hg19) VCF-style: chr7-130020994-G-A.
Other names: short protein forms E41K.
Identifiers: ClinVar variation 1752743 (VCV001752743.2), dbSNP rs1796397880, ClinGen allele CA369279286.